The following is an entry in ClinVar:

NM_001257180.2(SLC20A2):c.949A>C (p.Met317Leu)

Gene: SLC20A2 (solute carrier family 20 member 2; minus strand). Cytogenetic location: 8p11.21.
Variant type: single nucleotide variant.
Coding change: c.949A>C on transcript NM_001257180.2 (MANE Select); coding-DNA position 949, A replaced by C.
Protein change: p.Met317Leu; replaces methionine 317 with leucine.
Molecular consequence: missense variant.
Genome position (GRCh38, 1-based): chr8:42,437,563, T>G on the plus strand (A>C on the coding strand, the complement: SLC20A2 is on the minus strand). VCF-style: chr8-42437563-T-G. GRCh37 (hg19) VCF-style: chr8-42295081-T-G.
Other names: c.949A>C, p.Met317Leu (NM_001257181.2, NM_006749.5); short protein forms M317L.
Identifiers: ClinVar variation 4538148 (VCV004538148.1).
Genomic context (GRCh38, chr8:42,437,563, plus strand): 5'-TGTGGCCGTCGAAGCCGAAGGTGCCGTTGGAGATGGGCGATTTCACAGAGCCATGGGTCA[T>G]GGACAGTGCTCTTCCTGAAAAGGGTTAGAGAAGGTCTCATTTTCCAGTCTTTTTTTTTTT-3'
Protein context (NP_001244109.1, residues 307-327): PRAAYGRALS[Met317Leu]THGSVKSPIS

ClinVar aggregate classification (germline): Uncertain significance (1 of 4 stars; one submission).

gnomAD v4.1: 2 of 1,602,386 alleles (0.00012%); highest among the groups gnomAD compares: Non-Finnish European, 0.00017%; no homozygotes.

Submission:

GeneDx
Classification: Uncertain significance. Last evaluated: 2025-06-11. Review status: criteria provided, single submitter. Criteria: GeneDx Variant Classification Process June 2021. Collection method: clinical testing. Allele origin: germline. Affected: yes.
Comment: Not observed at significant frequency in large population cohorts (gnomAD); In silico analysis suggests that this missense variant does not alter protein structure/function; Has not been previously published as pathogenic or benign to our knowledge